The following is an entry in ClinVar:

ClinVar aggregate classification (germline): Uncertain significance (1 of 4 stars; one submission).

Conditions:
Cardiovascular phenotype. Identifiers: MedGen CN230736.
Hereditary cancer-predisposing syndrome. Also called: Neoplastic Syndromes, Hereditary; Tumor predisposition; Hereditary neoplastic syndrome; Hereditary Cancer Syndrome. Identifiers: Orphanet 140162, MedGen C0027672, MeSH D009386, MONDO:0015356.

Submission:

Ambry Genetics
Classification: Uncertain significance for Cardiovascular phenotype; Hereditary cancer-predisposing syndrome. Last evaluated: 2025-05-27. Review status: criteria provided, single submitter. Criteria: Ambry Variant Classification Scheme 2023. Collection method: clinical testing. Allele origin: germline.
Comment: The p.S821C variant (also known as c.2461A>T), located in coding exon 21 of the NF1 gene, results from an A to T substitution at nucleotide position 2461. The serine at codon 821 is replaced by cysteine, an amino acid with dissimilar properties. This amino acid position is conserved. In addition, the in silico prediction for this alteration is inconclusive. Based on the available evidence, the clinical significance of this variant remains unclear.

NM_001042492.3(NF1):c.2461A>T (p.Ser821Cys)

Gene: NF1 (neurofibromin 1; plus strand). Cytogenetic location: 17q11.2.
Variant type: single nucleotide variant.
Coding change: c.2461A>T on transcript NM_001042492.3 (MANE Select); coding-DNA position 2461, A replaced by T.
Protein change: p.Ser821Cys; replaces serine 821 with cysteine.
Molecular consequence: missense variant.
Genome position (GRCh38, 1-based): chr17:31,229,076, A>T. VCF-style: chr17-31229076-A-T. GRCh37 (hg19) VCF-style: chr17-29556094-A-T.
Other names: c.2461A>T, p.Ser821Cys (NM_000267.4); short protein forms S821C.
Identifiers: ClinVar variation 4034254 (VCV004034254.1).